The following is an entry in ClinVar:

ClinVar aggregate classification (germline): Uncertain significance (1 of 4 stars; one submission).

Submission:

Labcorp Genetics (formerly Invitae), Labcorp
Classification: Uncertain significance. Last evaluated: 2021-10-23. Review status: criteria provided, single submitter. Criteria: Invitae Variant Classification Sherloc (09022015). Collection method: clinical testing. Allele origin: germline.
Comment: This sequence change replaces methionine with leucine at codon 996 of the MPDZ protein (p.Met996Leu). The methionine residue is moderately conserved and there is a small physicochemical difference between methionine and leucine. This variant is not present in population databases (ExAC no frequency). This variant has not been reported in the literature in individuals affected with MPDZ-related conditions. Algorithms developed to predict the effect of missense changes on protein structure and function (SIFT, PolyPhen-2, Align-GVGD) all suggest that this variant is likely to be tolerated. In summary, the available evidence is currently insufficient to determine the role of this variant in disease. Therefore, it has been classified as a Variant of Uncertain Significance.

NM_001378778.1(MPDZ):c.2986A>C (p.Met996Leu)

Gene: MPDZ (multiple PDZ domain crumbs cell polarity complex component; minus strand). Cytogenetic location: 9p23.
Variant type: single nucleotide variant.
Coding change: c.2986A>C on transcript NM_001378778.1 (MANE Select); coding-DNA position 2986, A replaced by C.
Protein change: p.Met996Leu; replaces methionine 996 with leucine.
Molecular consequence: missense variant.
Genome position (GRCh38, 1-based): chr9:13,175,821, T>G on the plus strand (A>C on the coding strand, the complement: MPDZ is on the minus strand). VCF-style: chr9-13175821-T-G. GRCh37 (hg19) VCF-style: chr9-13175820-T-G.
Other names: c.2986A>C, p.Met996Leu (NM_001261406.2, NM_001261407.2, NM_001330637.2 and 14 more transcripts); short protein forms M996L.
Identifiers: ClinVar variation 1387111 (VCV001387111.6), dbSNP rs371781743, ClinGen allele CA372934804.
Genomic context (GRCh38, chr9:13,175,821, plus strand): 5'-AATTGCCTTTTGCTATATTAATAGTCCTTTCAAAAGATTCTTTAGATACATTTTGAAGCA[T>G]GACACACTCAGCATTACAGGCCAGGGAGCTCTGTTCAAGCAGGTACTCAGAGCCCTTTAA-3'
Protein context (NP_001365707.1, residues 986-1006): SSLACNAECV[Met996Leu]LQNVSKESFE